The following is an entry in ClinVar:

ClinVar aggregate classification (germline): Likely pathogenic. Review status: criteria provided, multiple submitters, no conflicts (2 of 4 stars). 4 submissions from 4 submitters: Likely pathogenic (4). Last evaluated 2025-10-20.

Conditions:
Hereditary breast ovarian cancer syndrome. Also called: Hereditary breast and ovarian cancer; Hereditary breast and ovarian cancer syndrome; Hereditary breast and/or ovarian cancer syndrome; BRCA1- and BRCA2-Associated Hereditary Breast and Ovarian Cancer; Hereditary breast and ovarian cancer syndrome (HBOC); Breast and ovarian cancer. Identifiers: Orphanet 145, MedGen C0677776, MeSH D061325, MONDO:0003582. Disease mechanism: loss of function.
Familial cancer of breast. Also called: hereditary breast carcinoma; Hereditary breast cancer; BREAST CANCER, FAMILIAL. Identifiers: Orphanet 227535, MedGen C0346153, MONDO:0016419, OMIM 114480. Disease mechanism: loss of function.
Hereditary cancer-predisposing syndrome. Also called: Tumor predisposition; Hereditary neoplastic syndrome; Hereditary Cancer Syndrome; Neoplastic Syndromes, Hereditary. Identifiers: Orphanet 140162, MedGen C0027672, MeSH D009386, MONDO:0015356.

Submissions (4):

Color Diagnostics, LLC DBA Color Health
Classification: Likely pathogenic for Hereditary cancer-predisposing syndrome. Last evaluated: 2025-10-20. Review status: criteria provided, single submitter. Criteria: ACMG Guidelines, 2015. Collection method: clinical testing. Allele origin: germline.
Comment: This variant causes a deletion of 13 basepairs, including the canonical acceptor splice site and the first 11 nucleotides of exon 8 of the CHEK2 gene. Splice prediction tools suggest that this variant may disrupt RNA splicing. RNA studies have reported this variant results in skipping of exon 8, causing in a frameshift and truncation, and is expected to result in nonsense-mediated decay (external laboratory communicationClinVar: SCV004332545.2). This variant has not been reported in individuals affected with CHEK2-related disorders in the literature. This variant has not been identified in the general population by the Genome Aggregation Database (gnomAD). Based on the available evidence, this variant is classified as Likely Pathogenic.

Myriad Genetics, Inc.
Classification: Likely pathogenic for Familial cancer of breast. Last evaluated: 2025-04-29. Review status: criteria provided, single submitter. Criteria: Myriad Autosomal Dominant, Autosomal Recessive and X-Linked Classification Criteria (2023). Collection method: clinical testing. Allele origin: unknown.
Comment: This variant is considered likely pathogenic. This variant occurs within a consensus splice junction and is predicted to result in abnormal mRNA splicing of either an out-of-frame exon or an in-frame exon necessary for protein stability and/or normal function.

Women's Health and Genetics/Laboratory Corporation of America, LabCorp
Classification: Likely pathogenic for Hereditary breast ovarian cancer syndrome. Last evaluated: 2025-04-03. Review status: criteria provided, single submitter. Criteria: LabCorp Variant Classification Summary - May 2015. Collection method: clinical testing. Allele origin: germline.
Comment: Variant summary: CHEK2 c.847-2_857del13 is located in a canonical splice-site and is predicted to affect mRNA splicing resulting in a significantly altered protein due to either exon skipping, shortening, or inclusion of intronic material. Variants that disrupt the consensus splice site are a relatively common cause of aberrant splicing and loss of CHEK2 function. Several computational tools predict a significant impact on normal splicing: Four predict the variant abolishes a 3' acceptor site. Three predict the variant creates a cryptic 3' acceptor site. Consistent with these predictions, internal functional studies have shown that this variant results in skipping of exon 8 and introduces a premature termination codon. The resulting mRNA is expected to undergo nonsense-mediated decay (Internal data). The variant was absent in 225074 control chromosomes (gnomAD). To our knowledge, no occurrence of c.847-2_857del13 in individuals affected with Hereditary Breast and Ovarian Cancer Syndrome has been reported. ClinVar contains an entry for this variant (Variation ID: 1171284). Based on the evidence outlined above, the variant was classified as likely pathogenic.

Labcorp Genetics (formerly Invitae), Labcorp
Classification: Likely pathogenic for Familial cancer of breast. Last evaluated: 2023-07-31. Review status: criteria provided, single submitter. Criteria: Invitae Variant Classification Sherloc (09022015). Collection method: clinical testing. Allele origin: germline.
Comment: Studies have shown that this variant results in skipping of exon 8 and introduces a premature termination codon (Invitae). The resulting mRNA is expected to undergo nonsense-mediated decay. This variant results in the deletion of part of exon 8 (c.847-2_857del) of the CHEK2 gene. RNA analysis indicates that this variant induces altered splicing and may result in an absent or disrupted protein product. This variant is not present in population databases (gnomAD no frequency). This variant has not been reported in the literature in individuals affected with CHEK2-related conditions. ClinVar contains an entry for this variant (Variation ID: 1171284). In summary, the currently available evidence indicates that the variant is pathogenic, but additional data are needed to prove that conclusively. Therefore, this variant has been classified as Likely Pathogenic.

NM_007194.4(CHEK2):c.847-2_857del

Gene: CHEK2 (checkpoint kinase 2; minus strand). Cytogenetic location: 22q12.1.
Variant type: Deletion.
Coding change: c.847-2_857del on transcript NM_007194.4 (MANE Select); the canonical splice acceptor site of the intron before coding-DNA position 847 through coding-DNA position 857, 13 bases deleted (AGCCTTGCATCAT).
Molecular consequence: splice acceptor variant.
Genome position (GRCh38, 1-based): chr22:28,703,556-28,703,568, ATGATGCAAGGCT deleted on the plus strand (AGCCTTGCATCAT on the coding strand, the reverse complement: CHEK2 is on the minus strand); deleting any 13 consecutive bases within chr22:28,703,556-28,703,569 gives the same sequence; the c. name uses the placement nearest the transcript's 3' end. VCF-style (leftmost placement, unchanged base first): chr22-28703555-GATGATGCAAGGCT-G. GRCh37 (hg19) VCF-style: chr22-29099543-GATGATGCAAGGCT-G.
Other names: c.847-2_857del13 (NM_007194.4); c.184-2_194del (NM_001437942.1, NM_001257387.3); c.646-2_656del (NM_001349956.3); c.847-2_857del (NM_145862.3); c.940-2_950del (NM_001438295.1, NM_001438293.1); c.976-2_986del (NM_001438294.1, NM_001005735.3).
Identifiers: ClinVar variation 1171284 (VCV001171284.9), dbSNP rs2145878627, ClinGen allele CA2499226077.